The following is an entry in ClinVar:

NM_004370.6(COL12A1):c.290A>G (p.Tyr97Cys)

Gene: COL12A1 (collagen type XII alpha 1 chain; minus strand). Cytogenetic location: 6q13.
Variant type: single nucleotide variant.
Coding change: c.290A>G on transcript NM_004370.6 (MANE Select); coding-DNA position 290, A replaced by G.
Protein change: p.Tyr97Cys; replaces tyrosine 97 with cysteine.
Molecular consequence: missense variant. On other transcripts: intron variant (2).
Genome position (GRCh38, 1-based): chr6:75,192,256, T>C on the plus strand (A>G on the coding strand, the complement: COL12A1 is on the minus strand). VCF-style: chr6-75192256-T-C. GRCh37 (hg19) VCF-style: chr6-75901972-T-C.
Other names: c.290A>G, p.Tyr97Cys (NM_001424113.1, NM_001424114.1, NM_001424115.1); c.73+10464A>G (NM_001424116.1, NM_080645.3); short protein forms Y97C.
Identifiers: ClinVar variation 2954251 (VCV002954251.3), dbSNP rs2533616779, ClinGen allele CA364730898.

ClinVar aggregate classification (germline): Uncertain significance (1 of 4 stars; one submission).

Conditions:
Ullrich congenital muscular dystrophy 2 (UCMD2). Identifiers: Orphanet 75840, MedGen C4225314, MONDO:0014654, OMIM 616470.
Bethlem myopathy 2 (BTHLM2). Identifiers: Orphanet 536516, Orphanet 610, MedGen C4225313, MONDO:0034022, OMIM 616471.

Submission:

Labcorp Genetics (formerly Invitae), Labcorp
Classification: Uncertain significance for Bethlem myopathy 2; Ullrich congenital muscular dystrophy 2. Last evaluated: 2025-08-03. Review status: criteria provided, single submitter. Criteria: Invitae Variant Classification Sherloc (09022015). Collection method: clinical testing. Allele origin: germline.
Comment: This sequence change replaces tyrosine, which is neutral and polar, with cysteine, which is neutral and slightly polar, at codon 97 of the COL12A1 protein (p.Tyr97Cys). This variant is not present in population databases (gnomAD no frequency). This variant has not been reported in the literature in individuals affected with COL12A1-related conditions. ClinVar contains an entry for this variant (Variation ID: 2954251). Invitae Evidence Modeling of protein sequence and biophysical properties (such as structural, functional, and spatial information, amino acid conservation, physicochemical variation, residue mobility, and thermodynamic stability) has been performed for this missense variant. However, the output from this modeling did not meet the statistical confidence thresholds required to predict the impact of this variant on COL12A1 protein function. In summary, the available evidence is currently insufficient to determine the role of this variant in disease. Therefore, it has been classified as a Variant of Uncertain Significance.